The following is an entry in ClinVar:

ClinVar aggregate classification (germline): Uncertain significance (1 of 4 stars; one submission).

Conditions:
SPAG1-related disorder. Also called: SPAG1-related condition.

Submission:

PreventionGenetics, part of Exact Sciences
Classification: Uncertain significance for SPAG1-related condition. Last evaluated: 2026-08-21. Review status: criteria provided, single submitter. Criteria: ACMG Guidelines, 2015. Collection method: clinical testing. Allele origin: germline.
Comment: The SPAG1 c.2081_2083delTCT variant is predicted to result in an in-frame deletion (p.Phe694del). To our knowledge, this variant has not been reported in the literature or in a large population database (gnomAD), indicating this variant is rare. At this time, the clinical significance of this variant is uncertain due to the absence of conclusive functional and genetic evidence.

NM_003114.5(SPAG1):c.2081_2083del (p.Phe694del)

Gene: SPAG1 (sperm associated antigen 1; plus strand). Cytogenetic location: 8q22.2.
Variant type: Deletion.
Coding change: c.2081_2083del on transcript NM_003114.5 (MANE Select); coding-DNA positions 2081 to 2083, 3 bases deleted (TCT; older notation c.2081_2083delTCT).
Protein change: p.Phe694del; deletes phenylalanine 694.
Molecular consequence: inframe deletion.
Genome position (GRCh38, 1-based): chr8:100,233,503-100,233,505, TCT deleted; deleting any 3 consecutive bases within chr8:100,233,501-100,233,505 gives the same sequence; the c. name uses the placement nearest the transcript's 3' end. VCF-style (leftmost placement, unchanged base first): chr8-100233500-CCTT-C. GRCh37 (hg19) VCF-style: chr8-101245728-CCTT-C.
Other names: c.2081_2083del, p.Phe694del (NM_001374321.1, NM_172218.3); short protein forms F694del.
Identifiers: ClinVar variation 4986243 (VCV004986243.1).